The following is an entry in ClinVar:

NM_001163809.2(WDR81):c.4521C>T (p.His1507=)

Gene: WDR81 (WD repeat domain 81; plus strand). Cytogenetic location: 17p13.3.
Variant type: single nucleotide variant.
Coding change: c.4521C>T on transcript NM_001163809.2 (MANE Select); coding-DNA position 4521, C replaced by T.
Protein change: p.His1507=; no amino-acid change (histidine 1507 retained).
Molecular consequence: synonymous variant.
Genome position (GRCh38, 1-based): chr17:1,733,558, C>T. VCF-style: chr17-1733558-C-T. GRCh37 (hg19) VCF-style: chr17-1636852-C-T.
Other names: c.912C>T, p.His304= (NM_001163673.2); c.840C>T, p.His280= (NM_001163811.2); c.1368C>T, p.His456= (NM_152348.4).
Identifiers: ClinVar variation 4932629 (VCV004932629.2).
Genomic context (GRCh38, chr17:1,733,558, plus strand): 5'-GTCTCAGGACCTCTCCCACTCCTATCCAGGTGACATCATCCGGAAAATCATCCCCAACCA[C>T]GAGCTGGTTGGGGAGCTGGCGGCGCTGTACTTGGAGAGCATCAGCCCCAGCAGTCGCAAC-3'
Protein context (NP_001157281.1, residues 1497-1517): GDIIRKIIPN[His1507=]ELVGELAALY

ClinVar aggregate classification (germline): Likely benign. Review status: criteria provided, multiple submitters, no conflicts (2 of 4 stars). 2 submissions from 2 submitters: Likely benign (2). Last evaluated 2026-07-01.

Submissions (2):

CeGaT Center for Human Genetics Tuebingen
Classification: Likely benign. Last evaluated: 2026-07-01. Review status: criteria provided, single submitter. Criteria: CeGaT Center For Human Genetics Tuebingen Variant Classification Criteria Version 2. Collection method: clinical testing. Allele origin: germline. Affected: yes. Observed: 1 variant allele.
Comment: WDR81: BP4, BP7

Blueprint Genetics
Classification: Likely benign. Last evaluated: 2024-04-05. Review status: criteria provided, single submitter. Criteria: ACMG Guidelines, 2015. Collection method: clinical testing. Allele origin: germline.